The following is an entry in ClinVar:

ClinVar aggregate classification (germline): Uncertain significance (1 of 4 stars; one submission).

Submission:

Labcorp Genetics (formerly Invitae), Labcorp
Classification: Uncertain significance. Last evaluated: 2023-10-29. Review status: criteria provided, single submitter. Criteria: Invitae Variant Classification Sherloc (09022015). Collection method: clinical testing. Allele origin: germline.
Comment: This sequence change replaces tryptophan, which is neutral and slightly polar, with arginine, which is basic and polar, at codon 158 of the LRAT protein (p.Trp158Arg). This variant is not present in population databases (gnomAD no frequency). This variant has not been reported in the literature in individuals affected with LRAT-related conditions. An algorithm developed to predict the effect of missense changes on protein structure and function (PolyPhen-2) suggests that this variant is likely to be disruptive. In summary, the available evidence is currently insufficient to determine the role of this variant in disease. Therefore, it has been classified as a Variant of Uncertain Significance.

NM_004744.5(LRAT):c.472T>C (p.Trp158Arg)

Gene: LRAT (lecithin retinol acyltransferase; plus strand). Cytogenetic location: 4q32.1.
Variant type: single nucleotide variant.
Coding change: c.472T>C on transcript NM_004744.5 (MANE Select); coding-DNA position 472, T replaced by C.
Protein change: p.Trp158Arg; replaces tryptophan 158 with arginine.
Molecular consequence: missense variant.
Genome position (GRCh38, 1-based): chr4:154,744,798, T>C. VCF-style: chr4-154744798-T-C. GRCh37 (hg19) VCF-style: chr4-155665950-T-C.
Other names: c.472T>C, p.Trp158Arg (NM_001301645.2); short protein forms W158R.
Identifiers: ClinVar variation 2789343 (VCV002789343.3), dbSNP rs2529973521, ClinGen allele CA358630757.
Genomic context (GRCh38, chr4:154,744,798, plus strand): 5'-AACGAGGAGGTGGCGCGGAGGGCTGAAAAGCTGCTGGGCTTTACCCCCTACAGCCTGCTG[T>C]GGAACAACTGCGAGCACTTCGTGACCTACTGCAGATATGGCACCCCGATCAGTCCCCAGT-3'
Protein context (NP_004735.2, residues 148-168): LLGFTPYSLL[Trp158Arg]NNCEHFVTYC